The following is an entry in ClinVar:

ClinVar aggregate classification (germline): Uncertain significance. Review status: criteria provided, multiple submitters, no conflicts (2 of 4 stars). 3 submissions from 3 submitters: Uncertain significance (3). Last evaluated 2023-04-11.

Conditions:
Geroderma osteodysplastica (GO). Also called: WALT DISNEY DWARFISM; Geroderma osteodysplasticum. Identifiers: Orphanet 2078, MedGen C0432255, MONDO:0009271, OMIM 231070.

Allele frequency attached by ClinVar (database versions not stated): ExAC 0.00001; gnomAD 0.00001; gnomAD exomes 0.00001 and 0.00003; TOPMed 0.00004.
gnomAD v4.1: 23 of 1,613,992 alleles (0.0014%); highest among the groups gnomAD compares: Admixed American, 0.012%; no homozygotes.

Submissions (3):

Genome-Nilou Lab
Classification: Uncertain significance for Geroderma osteodysplastica. Last evaluated: 2023-04-11. Review status: criteria provided, single submitter. Criteria: ACMG Guidelines, 2015. Collection method: clinical testing. Allele origin: germline. Affected: no.

Labcorp Genetics (formerly Invitae), Labcorp
Classification: Uncertain significance. Last evaluated: 2021-12-12. Review status: criteria provided, single submitter. Criteria: Invitae Variant Classification Sherloc (09022015). Collection method: clinical testing. Allele origin: germline.
Comment: This sequence change replaces arginine, which is basic and polar, with cysteine, which is neutral and slightly polar, at codon 53 of the GORAB protein (p.Arg53Cys). This variant is present in population databases (rs761243601, gnomAD 0.01%). This variant has not been reported in the literature in individuals affected with GORAB-related conditions. ClinVar contains an entry for this variant (Variation ID: 876748). Algorithms developed to predict the effect of missense changes on protein structure and function output the following: SIFT: "Tolerated"; PolyPhen-2: "Probably Damaging"; Align-GVGD: "Class C0". The cysteine amino acid residue is found in multiple mammalian species, which suggests that this missense change does not adversely affect protein function. In summary, the available evidence is currently insufficient to determine the role of this variant in disease. Therefore, it has been classified as a Variant of Uncertain Significance.

Illumina Laboratory Services, Illumina
Classification: Uncertain significance for Geroderma osteodysplastica. Last evaluated: 2018-04-06. Review status: criteria provided, single submitter. Criteria: ICSL Variant Classification Criteria 13 December 2019. Collection method: clinical testing. Allele origin: germline.

NM_152281.3(GORAB):c.82C>T (p.Arg28Cys)

Gene: GORAB (golgin, RAB6 interacting; plus strand). Cytogenetic location: 1q24.2.
Variant type: single nucleotide variant.
Coding change: c.82C>T on transcript NM_152281.3 (MANE Select); coding-DNA position 82, C replaced by T.
Protein change: p.Arg28Cys; replaces arginine 28 with cysteine.
Molecular consequence: missense variant. On other transcripts: 5 prime UTR variant (1), non-coding transcript variant (1).
Genome position (GRCh38, 1-based): chr1:170,539,230, C>T. VCF-style: chr1-170539230-C-T. GRCh37 (hg19) VCF-style: chr1-170508371-C-T.
Other names: c.82C>T, p.Arg28Cys (NM_001146039.2); c.-384C>T (NM_001320252.2); short protein forms R28C.
Identifiers: ClinVar variation 876748 (VCV000876748.6), dbSNP rs761243601, ClinGen allele CA1239035.